The following is an entry in ClinVar:

ClinVar aggregate classification (germline): Uncertain significance (1 of 4 stars; one submission).

Allele frequency attached by ClinVar (database versions not stated): gnomAD exomes 0.00010; gnomAD 0.00008; ExAC 0.00012; TOPMed 0.00007.

Submission:

Labcorp Genetics (formerly Invitae), Labcorp
Classification: Uncertain significance. Last evaluated: 2026-01-13. Review status: criteria provided, single submitter. Criteria: Invitae Variant Classification Sherloc (09022015). Collection method: clinical testing. Allele origin: germline.
Comment: This sequence change creates a premature translational stop signal (p.Pro719Argfs*6) in the DHX32 gene. While this is not anticipated to result in nonsense mediated decay, it is expected to disrupt the last 25 amino acid(s) of the DHX32 protein. This variant is present in population databases (rs755174172, gnomAD 0.1%), and has an allele count higher than expected for a pathogenic variant. This variant has not been reported in the literature in individuals affected with DHX32-related conditions. ClinVar contains an entry for this variant (Variation ID: 1896071). Experimental studies and prediction algorithms are not available or were not evaluated, and the functional significance of this variant is currently unknown. In summary, the available evidence is currently insufficient to determine the role of this variant in disease. Therefore, it has been classified as a Variant of Uncertain Significance.

NM_018180.3(DHX32):c.2156_2157del (p.Pro719fs)

Genes: BCCIP (BRCA2 and CDKN1A interacting protein; plus strand), DHX32 (DEAH-box helicase 32 (putative); minus strand). Cytogenetic location: 10q26.2.
Variant type: Deletion.
Coding change: c.2156_2157del on transcript NM_018180.3 (MANE Select); coding-DNA positions 2156 to 2157, 2 bases deleted (CT; older notation c.2156_2157delCT).
Protein change: p.Pro719fs; shifts the reading frame from proline 719.
Molecular consequence: frameshift variant. On other transcripts: intron variant (2).
Genome position (GRCh38, 1-based): chr10:125,836,762-125,836,763, AG deleted on the plus strand (CT on the coding strand, the reverse complement: DHX32 is on the minus strand). VCF-style (leftmost placement, unchanged base first): chr10-125836761-CAG-C. GRCh37 (hg19) VCF-style: chr10-127525330-CAG-C.
Other names: c.774+2816_774+2817del (NM_016567.4, NM_078469.3); short protein forms P719fs.
Identifiers: ClinVar variation 1896071 (VCV001896071.4), dbSNP rs755174172, ClinGen allele CA5738948.